The following is an entry in ClinVar:

NM_001252024.2(TRPM1):c.1328T>C (p.Met443Thr)

Gene: TRPM1 (transient receptor potential cation channel subfamily M member 1; minus strand). Cytogenetic location: 15q13.3.
Variant type: single nucleotide variant.
Coding change: c.1328T>C on transcript NM_001252024.2 (MANE Select); coding-DNA position 1328, T replaced by C.
Protein change: p.Met443Thr; replaces methionine 443 with threonine.
Molecular consequence: missense variant.
Genome position (GRCh38, 1-based): chr15:31,050,518, A>G on the plus strand (T>C on the coding strand, the complement: TRPM1 is on the minus strand). VCF-style: chr15-31050518-A-G. GRCh37 (hg19) VCF-style: chr15-31342721-A-G.
Other names: c.1379T>C, p.Met460Thr (NM_001252020.2); c.1262T>C, p.Met421Thr (NM_002420.6); short protein forms M421T, M443T, M460T.
Identifiers: ClinVar variation 1508782 (VCV001508782.6), dbSNP rs2140941082, ClinGen allele CA391518420.
Genomic context (GRCh38, chr15:31,050,518, plus strand): 5'-TCTTTCACTTTCCCTTTCTTCTTGCCTTTCCCTTTTCCTCTTCCTCCCTTGGTGGTGGCC[A>G]TGGGTGGCTTCTTCTCCTTCTCCGTGGCTTTGCTGTCCGTCGGGGGTGCCAGGCTTCCCA-3'
Protein context (NP_001238953.1, residues 433-453): KATEKEKKPP[Met443Thr]ATTKGGRGKG

ClinVar aggregate classification (germline): Uncertain significance (1 of 4 stars; one submission).

Allele frequency attached by ClinVar (database versions not stated): gnomAD exomes below 0.00001.
gnomAD v4.1: 5 of 1,613,254 alleles (0.00031%); highest among the groups gnomAD compares: African/African-American, 0.0013%; no homozygotes.

Submission:

Labcorp Genetics (formerly Invitae), Labcorp
Classification: Uncertain significance. Last evaluated: 2021-11-01. Review status: criteria provided, single submitter. Criteria: Invitae Variant Classification Sherloc (09022015). Collection method: clinical testing. Allele origin: germline.
Comment: In summary, the available evidence is currently insufficient to determine the role of this variant in disease. Therefore, it has been classified as a Variant of Uncertain Significance. Algorithms developed to predict the effect of missense changes on protein structure and function output the following: SIFT: "Tolerated"; PolyPhen-2: "Benign"; Align-GVGD: "Class C0". The threonine amino acid residue is found in multiple mammalian species, which suggests that this missense change does not adversely affect protein function. This variant has not been reported in the literature in individuals affected with TRPM1-related conditions. This variant is not present in population databases (gnomAD no frequency). This sequence change replaces methionine, which is neutral and non-polar, with threonine, which is neutral and polar, at codon 421 of the TRPM1 protein (p.Met421Thr).